The following is an entry in ClinVar:

NM_017780.4(CHD7):c.6938A>G (p.Asp2313Gly)

Gene: CHD7 (chromodomain helicase DNA binding protein 7; plus strand). Cytogenetic location: 8q12.2.
Variant type: single nucleotide variant.
Coding change: c.6938A>G on transcript NM_017780.4 (MANE Select); coding-DNA position 6938, A replaced by G.
Protein change: p.Asp2313Gly; replaces aspartic acid 2313 with glycine.
Molecular consequence: missense variant. On other transcripts: intron variant (1).
Genome position (GRCh38, 1-based): chr8:60,855,976, A>G. VCF-style: chr8-60855976-A-G. GRCh37 (hg19) VCF-style: chr8-61768535-A-G.
Other names: c.1717-6253A>G (NM_001316690.1); short protein forms D2313G.
Identifiers: ClinVar variation 1507327 (VCV001507327.8), dbSNP rs1805682626, ClinGen allele CA371297635.

ClinVar aggregate classification (germline): Uncertain significance (1 of 4 stars; one submission).

Conditions:
CHARGE syndrome (CHARGE). Also called: Coloboma, heart anomaly, choanal atresia, retardation, genital and ear anomalies; CHARGE association; Hall-Hittner syndrome; Hittner Hirsch Kreh syndrome; CHARGE ASSOCIATION--COLOBOMA, HEART ANOMALY, CHOANAL ATRESIA, RETARDATION, GENITAL AND EAR ANOMALIES. Identifiers: Orphanet 138, MedGen C0265354, MONDO:0008965.

Allele frequency attached by ClinVar (database versions not stated): gnomAD exomes below 0.00001; TOPMed below 0.00001.
gnomAD v4.1: 1 of 1,599,924 alleles (0.000063%); highest among the groups gnomAD compares: Non-Finnish European, 0.000085%; no homozygotes.

Submission:

Labcorp Genetics (formerly Invitae), Labcorp
Classification: Uncertain significance for CHARGE syndrome. Last evaluated: 2021-08-11. Review status: criteria provided, single submitter. Criteria: Invitae Variant Classification Sherloc (09022015). Collection method: clinical testing. Allele origin: germline.
Comment: This sequence change replaces aspartic acid with glycine at codon 2313 of the CHD7 protein (p.Asp2313Gly). The aspartic acid residue is highly conserved and there is a moderate physicochemical difference between aspartic acid and glycine. This variant is not present in population databases (ExAC no frequency). This variant has not been reported in the literature in individuals with CHD7-related conditions. Algorithms developed to predict the effect of missense changes on protein structure and function (SIFT, PolyPhen-2, Align-GVGD) all suggest that this variant is likely to be disruptive, but these predictions have not been confirmed by published functional studies and their clinical significance is uncertain. Algorithms developed to predict the effect of sequence changes on RNA splicing suggest that this variant may create or strengthen a splice site, but this prediction has not been confirmed by published transcriptional studies. In summary, the available evidence is currently insufficient to determine the role of this variant in disease. Therefore, it has been classified as a Variant of Uncertain Significance.